The following is an entry in ClinVar:

NM_001161352.2(KCNMA1):c.1441-10G>A

Gene: KCNMA1 (potassium calcium-activated channel subfamily M alpha 1; minus strand). Cytogenetic location: 10q22.3.
Variant type: single nucleotide variant.
Coding change: c.1441-10G>A on transcript NM_001161352.2 (MANE Select); 10 bases into the intron before coding-DNA position 1441, G replaced by A.
Molecular consequence: intron variant.
Genome position (GRCh38, 1-based): chr10:77,084,729, C>T on the plus strand (G>A on the coding strand, the complement: KCNMA1 is on the minus strand). VCF-style: chr10-77084729-C-T. GRCh37 (hg19) VCF-style: chr10-78844487-C-T.
Other names: c.1279-10G>A (NM_001271518.2); c.1441-10G>A (NM_001322832.2, NM_001410940.1, NM_001322829.2 and 8 more transcripts); c.901-10G>A (NM_001322838.2).
Identifiers: ClinVar variation 2574474 (VCV002574474.2), dbSNP rs2550839455, ClinGen allele CA2574589670.
Genomic context (GRCh38, chr10:77,084,729, plus strand): 5'-GTCAGCGCAGTACTTGTTGGCAAGGATCAGGCATGCATCTGCTGACTCTATCTAAGACAC[C>T]GAAAGGAAAATTCACAGAACACAAACATATAAATAGCCATGCTCGAGTGTAGTCTCTCTC-3'

ClinVar aggregate classification (germline): Uncertain significance (1 of 4 stars; one submission).

Submission:

GeneDx
Classification: Uncertain significance. Last evaluated: 2024-02-13. Review status: criteria provided, single submitter. Criteria: GeneDx Variant Classification Process June 2021. Collection method: clinical testing. Allele origin: germline. Affected: yes.
Comment: Not observed at significant frequency in large population cohorts (gnomAD); In silico analysis supports a deleterious effect on splicing; Has not been previously published as pathogenic or benign to our knowledge